The following is an entry in ClinVar:

ClinVar aggregate classification (germline): Uncertain significance (1 of 4 stars; one submission).

Conditions:
Spinocerebellar ataxia, autosomal recessive, with axonal neuropathy 2 (SCAN2). Also called: Ataxia with Oculomotor Apraxia Type 2; Ataxia-ocular apraxia-2; ATAXIA-OCULOMOTOR APRAXIA 2; Ataxia with Oculomotor Apraxia. Identifiers: Orphanet 64753, MedGen C1853761, MONDO:0018996, OMIM 606002.
Amyotrophic lateral sclerosis type 4 (ALS4). Also called: NEURONOPATHY, DISTAL HEREDITARY MOTOR, WITH PYRAMIDAL FEATURES; AMYOTROPHIC LATERAL SCLEROSIS 4, JUVENILE. Identifiers: Orphanet 357043, MedGen C1865409, MONDO:0011223, OMIM 602433.

Submission:

Labcorp Genetics (formerly Invitae), Labcorp
Classification: Uncertain significance for Amyotrophic lateral sclerosis type 4; Spinocerebellar ataxia, autosomal recessive, with axonal neuropathy 2. Last evaluated: 2021-04-05. Review status: criteria provided, single submitter. Criteria: Invitae Variant Classification Sherloc (09022015). Collection method: clinical testing. Allele origin: germline.
Comment: In summary, the available evidence is currently insufficient to determine the role of this variant in disease. Therefore, it has been classified as a Variant of Uncertain Significance. Nucleotide substitutions within the consensus splice site are a relatively common cause of aberrant splicing (PMID: 17576681, 9536098). Algorithms developed to predict the effect of sequence changes on RNA splicing suggest that this variant may disrupt the consensus splice site, but this prediction has not been confirmed by published transcriptional studies. This variant has not been reported in the literature in individuals with SETX-related conditions. This variant is not present in population databases (ExAC no frequency). This sequence change affects codon 1983 of the SETX mRNA. It is a 'silent' change, meaning that it does not change the encoded amino acid sequence of the SETX protein. This variant also falls at the last nucleotide of exon 14, which is part of the consensus splice site for this exon.

Literature cited by the submitters: PubMed 17576681; PubMed 9536098.

NM_015046.7(SETX):c.5949G>A (p.Glu1983=)

Gene: SETX (senataxin; minus strand). Cytogenetic location: 9q34.13.
Variant type: single nucleotide variant.
Coding change: c.5949G>A on transcript NM_015046.7 (MANE Select); coding-DNA position 5949, G replaced by A.
Protein change: p.Glu1983=; no amino-acid change (glutamic acid 1983 retained).
Molecular consequence: synonymous variant.
Genome position (GRCh38, 1-based): chr9:132,296,887, C>T on the plus strand (G>A on the coding strand, the complement: SETX is on the minus strand). VCF-style: chr9-132296887-C-T. GRCh37 (hg19) VCF-style: chr9-135172274-C-T.
Other names: c.5949G>A, p.Glu1983= (NM_001351527.2, NM_001351528.2).
Identifiers: ClinVar variation 1499610 (VCV001499610.6), dbSNP rs2131289331, ClinGen allele CA467428450.